The following is an entry in ClinVar:

ClinVar aggregate classification (germline): Conflicting classifications of pathogenicity. Review status: criteria provided, conflicting classifications (1 of 4 stars). 8 submissions from 8 submitters: Uncertain significance (1); Benign (3); Likely benign (3). 1 of the submissions does not count toward it. Last evaluated 2026-08-01.

Conditions:
NOTCH1-related disorder. Also called: NOTCH1-related disorders; NOTCH1-related condition.
Adams-Oliver syndrome 5 (AOS5). Identifiers: Orphanet 974, MedGen C4014970, MONDO:0014459, OMIM 616028.

Allele frequency attached by ClinVar (database versions not stated): gnomAD 0.00028 and 0.00030; ExAC 0.00035; gnomAD exomes 0.00039; TOPMed 0.00051; 1000 Genomes Project 0.00080; 1000 Genomes Project 30x 0.00094.
gnomAD v4.1: 392 of 1,608,106 alleles (0.024%); highest among the groups gnomAD compares: Admixed American, 0.18%; no homozygotes.

Submissions (8):

CeGaT Center for Human Genetics Tuebingen
Classification: Likely benign. Last evaluated: 2026-08-01. Review status: criteria provided, single submitter. Criteria: CeGaT Center For Human Genetics Tuebingen Variant Classification Criteria Version 2. Collection method: clinical testing. Allele origin: germline. Affected: yes. Observed: 2 variant alleles.
Comment: NOTCH1: BP4, BS1

Labcorp Genetics (formerly Invitae), Labcorp
Classification: Benign for Adams-Oliver syndrome 5. Last evaluated: 2026-01-27. Review status: criteria provided, single submitter. Criteria: Invitae Variant Classification Sherloc (09022015). Collection method: clinical testing. Allele origin: germline.

Blueprint Genetics
Classification: Likely benign. Last evaluated: 2024-10-24. Review status: criteria provided, single submitter. Criteria: ACMG Guidelines, 2015. Collection method: clinical testing. Allele origin: germline.

Women's Health and Genetics/Laboratory Corporation of America, LabCorp
Classification: Benign. Last evaluated: 2024-02-04. Review status: criteria provided, single submitter. Criteria: LabCorp Variant Classification Summary - May 2015. Collection method: clinical testing. Allele origin: germline.

ARUP Laboratories, Molecular Genetics and Genomics, ARUP Laboratories
Classification: Benign. Last evaluated: 2024-01-29. Review status: criteria provided, single submitter. Criteria: ARUP Molecular Germline Variant Investigation Process 2024. Collection method: clinical testing. Allele origin: germline.

GeneDx
Classification: Likely benign. Last evaluated: 2021-09-20. Review status: criteria provided, single submitter. Criteria: GeneDx Variant Classification Process June 2021. Collection method: clinical testing. Allele origin: germline. Affected: yes.

Eurofins Ntd Llc (ga)
Classification: Uncertain significance. Last evaluated: 2015-04-28. Review status: criteria provided, single submitter. Criteria: EGL Classification Definitions 2015. Collection method: clinical testing. Allele origin: germline. Observed: 1 variant allele, 1 heterozygote.

PreventionGenetics, part of Exact Sciences
Classification: Likely benign for NOTCH1-related condition. Last evaluated: 2024-02-04. Review status: no assertion criteria provided. Collection method: clinical testing. Allele origin: germline. Not counted in ClinVar's aggregate classification.
Comment: This variant is classified as likely benign based on ACMG/AMP sequence variant interpretation guidelines (Richards et al. 2015 PMID: 25741868, with internal and published modifications).

NM_017617.5(NOTCH1):c.1100-8C>T

Gene: NOTCH1 (notch receptor 1; minus strand). Cytogenetic location: 9q34.3.
Variant type: single nucleotide variant.
Coding change: c.1100-8C>T on transcript NM_017617.5 (MANE Select); 8 bases into the intron before coding-DNA position 1100, C replaced by T.
Molecular consequence: intron variant.
Genome position (GRCh38, 1-based): chr9:136,518,300, G>A on the plus strand (C>T on the coding strand, the complement: NOTCH1 is on the minus strand). VCF-style: chr9-136518300-G-A. GRCh37 (hg19) VCF-style: chr9-139412752-G-A.
Other names: c.1100-8C>T (LRG_1122t1, NM_017617.4).
Identifiers: ClinVar variation 198569 (VCV000198569.48), dbSNP rs545088400, ClinGen allele CA247293.